The following is an entry in ClinVar:

NM_017534.6(MYH2):c.4733T>C (p.Val1578Ala)

Genes: MYH2 (myosin heavy chain 2; minus strand), MYHAS (myosin heavy chain gene cluster antisense RNA; plus strand), LOC126862500 (BRD4-independent group 4 enhancer GRCh37_chr17:10427829-10429028; plus strand). Cytogenetic location: 17p13.1.
Variant type: single nucleotide variant.
Coding change: c.4733T>C on transcript NM_017534.6 (MANE Select); coding-DNA position 4733, T replaced by C.
Protein change: p.Val1578Ala; replaces valine 1578 with alanine.
Molecular consequence: missense variant.
Genome position (GRCh38, 1-based): chr17:10,524,995, A>G on the plus strand (T>C on the coding strand, the complement: MYH2 is on the minus strand). VCF-style: chr17-10524995-A-G. GRCh37 (hg19) VCF-style: chr17-10428312-A-G.
Other names: c.4733T>C, p.Val1578Ala (NM_001100112.2); short protein forms V1578A.
Identifiers: ClinVar variation 3690997 (VCV003690997.2).

ClinVar aggregate classification (germline): Uncertain significance (1 of 4 stars; one submission).

Conditions:
Myopathy, proximal, and ophthalmoplegia (CMYO6). Also called: MYOPATHY WITH CONGENITAL JOINT CONTRACTURES, OPHTHALMOPLEGIA, AND RIMMED VACUOLES; INCLUSION BODY MYOPATHY 3, AUTOSOMAL DOMINANT; CONGENITAL MYOPATHY 6 WITH OPHTHALMOPLEGIA. Identifiers: Orphanet 363677, Orphanet 79091, MedGen C1854106, MONDO:0011577, OMIM 605637.

Submission:

Labcorp Genetics (formerly Invitae), Labcorp
Classification: Uncertain significance for Myopathy, proximal, and ophthalmoplegia. Last evaluated: 2024-05-04. Review status: criteria provided, single submitter. Criteria: Invitae Variant Classification Sherloc (09022015). Collection method: clinical testing. Allele origin: germline.
Comment: This sequence change replaces valine, which is neutral and non-polar, with alanine, which is neutral and non-polar, at codon 1578 of the MYH2 protein (p.Val1578Ala). This variant is not present in population databases (gnomAD no frequency). This variant has not been reported in the literature in individuals affected with MYH2-related conditions. Advanced modeling of protein sequence and biophysical properties (such as structural, functional, and spatial information, amino acid conservation, physicochemical variation, residue mobility, and thermodynamic stability) performed at Invitae indicates that this missense variant is not expected to disrupt MYH2 protein function with a negative predictive value of 80%. In summary, the available evidence is currently insufficient to determine the role of this variant in disease. Therefore, it has been classified as a Variant of Uncertain Significance.